The following is an entry in ClinVar:

ClinVar aggregate classification (germline): Uncertain significance. Review status: criteria provided, multiple submitters, no conflicts (2 of 4 stars). 3 submissions from 3 submitters: Uncertain significance (2). 1 of the submissions does not count toward it. Last evaluated 2021-10-11.

Conditions:
TH-deficient dopa-responsive dystonia. Also called: Segawa syndrome, autosomal recessive; Tyrosine Hydroxylase-Deficient Dopa-Responsive Dystonia; DYT-TH. Identifiers: Orphanet 101150, MedGen C2673535, MONDO:0011551, OMIM 605407.
Inborn genetic diseases. Identifiers: MedGen C0950123, MeSH D030342.

Allele frequency attached by ClinVar (database versions not stated): gnomAD exomes 0.00001; ExAC 0.00001; gnomAD 0.00002 and 0.00003; ESP Exome Variant Server 0.00008; TOPMed 0.00003.

Submissions (3):

Labcorp Genetics (formerly Invitae), Labcorp
Classification: Uncertain significance for TH-deficient dopa-responsive dystonia. Last evaluated: 2021-10-11. Review status: criteria provided, single submitter. Criteria: Invitae Variant Classification Sherloc (09022015). Collection method: clinical testing. Allele origin: germline.
Comment: This sequence change replaces arginine with cysteine at codon 481 of the TH protein (p.Arg481Cys). The arginine residue is moderately conserved and there is a large physicochemical difference between arginine and cysteine. This variant is present in population databases (rs375084700, ExAC 0.002%). This variant has not been reported in the literature in individuals affected with TH-related conditions. Algorithms developed to predict the effect of missense changes on protein structure and function are either unavailable or do not agree on the potential impact of this missense change (SIFT: "Deleterious"; PolyPhen-2: "Possibly Damaging"; Align-GVGD: "Class C15"). In summary, the available evidence is currently insufficient to determine the role of this variant in disease. Therefore, it has been classified as a Variant of Uncertain Significance.

Ambry Genetics
Classification: Uncertain significance for Inborn genetic diseases. Last evaluated: 2021-08-17. Review status: criteria provided, single submitter. Criteria: Ambry Variant Classification Scheme 2023. Collection method: clinical testing. Allele origin: germline.

Natera, Inc.
Classification: Uncertain significance for Autosomal recessive Segawa syndrome. Last evaluated: 2020-09-16. Review status: no assertion criteria provided. Collection method: clinical testing. Allele origin: germline. Not counted in ClinVar's aggregate classification.

NM_000360.4(TH):c.1348C>T (p.Arg450Cys)

Gene: TH (tyrosine hydroxylase; minus strand). Cytogenetic location: 11p15.5.
Variant type: single nucleotide variant.
Coding change: c.1348C>T on transcript NM_000360.4 (MANE Select); coding-DNA position 1348, C replaced by T.
Protein change: p.Arg450Cys; replaces arginine 450 with cysteine.
Molecular consequence: missense variant.
Genome position (GRCh38, 1-based): chr11:2,164,379, G>A on the plus strand (C>T on the coding strand, the complement: TH is on the minus strand). VCF-style: chr11-2164379-G-A. GRCh37 (hg19) VCF-style: chr11-2185609-G-A.
Other names: c.1441C>T, p.Arg481Cys (NM_199292.3); c.1429C>T, p.Arg477Cys (NM_199293.3); c.1348C>T (NM_000360.3); short protein forms R477C, R450C, R481C.
Identifiers: ClinVar variation 855929 (VCV000855929.6), dbSNP rs375084700, ClinGen allele CA5818267.